The following is an entry in ClinVar:

ClinVar aggregate classification (germline): Uncertain significance (1 of 4 stars; one submission).

Conditions:
Aortic aneurysm, familial thoracic 8 (AAT8). Identifiers: MedGen C3809513, MONDO:0014187, OMIM 615436.

Submission:

Labcorp Genetics (formerly Invitae), Labcorp
Classification: Uncertain significance for Aortic aneurysm, familial thoracic 8. Last evaluated: 2023-11-19. Review status: criteria provided, single submitter. Criteria: Invitae Variant Classification Sherloc (09022015). Collection method: clinical testing. Allele origin: germline.
Comment: This sequence change affects an acceptor splice site in intron 4 of the PRKG1 gene. It is expected to disrupt RNA splicing. Variants that disrupt the donor or acceptor splice site typically lead to a loss of protein function (PMID: 16199547), however the current clinical and genetic evidence is not sufficient to establish whether loss-of-function variants in PRKG1 cause disease. This variant is not present in population databases (gnomAD no frequency). This variant has not been reported in the literature in individuals affected with PRKG1-related conditions. Algorithms developed to predict the effect of sequence changes on RNA splicing suggest that this variant may disrupt the consensus splice site. In summary, the available evidence is currently insufficient to determine the role of this variant in disease. Therefore, it has been classified as a Variant of Uncertain Significance.

Literature cited by the submitters: PubMed 16199547.

NM_006258.4(PRKG1):c.699-1G>A

Gene: PRKG1 (protein kinase cGMP-dependent 1; plus strand). Cytogenetic location: 10q21.1.
Variant type: single nucleotide variant.
Coding change: c.699-1G>A on transcript NM_006258.4 (MANE Select); the canonical splice acceptor site of the intron before coding-DNA position 699, G replaced by A.
Molecular consequence: splice acceptor variant.
Genome position (GRCh38, 1-based): chr10:51,907,506, G>A. VCF-style: chr10-51907506-G-A. GRCh37 (hg19) VCF-style: chr10-53667266-G-A.
Other names: c.654-1G>A (NM_001098512.3); c.699-1G>A (NM_001374782.1).
Identifiers: ClinVar variation 2697367 (VCV002697367.3), dbSNP rs2494391798, ClinGen allele CA376533493.